The following is an entry in ClinVar:

ClinVar aggregate classification (germline): Uncertain significance. Review status: criteria provided, multiple submitters, no conflicts (2 of 4 stars). 2 submissions from 2 submitters: Uncertain significance (2). Last evaluated 2025-07-09.

Conditions:
Hereditary cancer-predisposing syndrome. Also called: Hereditary Cancer Syndrome; Hereditary neoplastic syndrome; Neoplastic Syndromes, Hereditary; Tumor predisposition. Identifiers: Orphanet 140162, MedGen C0027672, MeSH D009386, MONDO:0015356.
BAP1-related tumor predisposition syndrome (TPDS1). Also called: COMMON Syndrome; TUMOR PREDISPOSITION SYNDROME 1; BAP1 tumor predisposition syndrome; Tumor susceptibility linked to germline BAP1 mutations. Identifiers: Orphanet 289539, MedGen C3280492, MONDO:0013692, OMIM 614327.

Allele frequency attached by ClinVar (database versions not stated): gnomAD exomes below 0.00001; gnomAD 0.00001; TOPMed 0.00001.
gnomAD v4.1: 2 of 1,613,910 alleles (0.00012%); highest among the groups gnomAD compares: African/African-American, 0.0027%; no homozygotes.

Submissions (2):

Labcorp Genetics (formerly Invitae), Labcorp
Classification: Uncertain significance for BAP1-related tumor predisposition syndrome. Last evaluated: 2025-07-09. Review status: criteria provided, single submitter. Criteria: Invitae Variant Classification Sherloc (09022015). Collection method: clinical testing. Allele origin: germline.
Comment: This sequence change replaces valine, which is neutral and non-polar, with alanine, which is neutral and non-polar, at codon 346 of the BAP1 protein (p.Val346Ala). This variant is not present in population databases (gnomAD no frequency). This variant has not been reported in the literature in individuals affected with BAP1-related conditions. ClinVar contains an entry for this variant (Variation ID: 1772990). Invitae Evidence Modeling of protein sequence and biophysical properties (such as structural, functional, and spatial information, amino acid conservation, physicochemical variation, residue mobility, and thermodynamic stability) indicates that this missense variant is not expected to disrupt BAP1 protein function with a negative predictive value of 80%. In summary, the available evidence is currently insufficient to determine the role of this variant in disease. Therefore, it has been classified as a Variant of Uncertain Significance.

Ambry Genetics
Classification: Uncertain significance for Hereditary cancer-predisposing syndrome. Last evaluated: 2022-10-05. Review status: criteria provided, single submitter. Criteria: Ambry Variant Classification Scheme 2023. Collection method: clinical testing. Allele origin: germline.
Comment: The p.V346A variant (also known as c.1037T>C), located in coding exon 11 of the BAP1 gene, results from a T to C substitution at nucleotide position 1037. The valine at codon 346 is replaced by alanine, an amino acid with similar properties. This amino acid position is conserved. In addition, this alteration is predicted to be tolerated by in silico analysis. Since supporting evidence is limited at this time, the clinical significance of this alteration remains unclear.

NM_004656.4(BAP1):c.1037T>C (p.Val346Ala)

Gene: BAP1 (BRCA1 associated deubiquitinase 1; minus strand). Cytogenetic location: 3p21.1.
Variant type: single nucleotide variant.
Coding change: c.1037T>C on transcript NM_004656.4 (MANE Select); coding-DNA position 1037, T replaced by C.
Protein change: p.Val346Ala; replaces valine 346 with alanine.
Molecular consequence: missense variant.
Genome position (GRCh38, 1-based): chr3:52,405,189, A>G on the plus strand (T>C on the coding strand, the complement: BAP1 is on the minus strand). VCF-style: chr3-52405189-A-G. GRCh37 (hg19) VCF-style: chr3-52439205-A-G.
Other names: c.983T>C, p.Val328Ala (NM_001410772.1); short protein forms V346A, V328A.
Identifiers: ClinVar variation 1772990 (VCV001772990.7), dbSNP rs985715324, ClinGen allele CA74742618.
Genomic context (GRCh38, chr3:52,405,189, plus strand): 5'-TAATTGTGATTGTCTAGAAAGGCCGGCAGCCGCTGGACAATGGGAGTGGGGTTGGGGTGA[A>G]CCCCATTGAGGCTGCTGCCTGGAGGCTTCACCACTAGCTTGGGTTTGTTGGGAGGGCTGT-3'
Protein context (NP_004647.1, residues 336-356): VKPPGSSLNG[Val346Ala]HPNPTPIVQR